The following is an entry in ClinVar:

NM_032802.4(SPPL2A):c.937G>C (p.Ala313Pro)

Gene: SPPL2A (signal peptide peptidase like 2A; minus strand). Cytogenetic location: 15q21.2.
Variant type: single nucleotide variant.
Coding change: c.937G>C on transcript NM_032802.4 (MANE Select); coding-DNA position 937, G replaced by C.
Protein change: p.Ala313Pro; replaces alanine 313 with proline.
Molecular consequence: missense variant.
Genome position (GRCh38, 1-based): chr15:50,732,680, C>G on the plus strand (G>C on the coding strand, the complement: SPPL2A is on the minus strand). VCF-style: chr15-50732680-C-G. GRCh37 (hg19) VCF-style: chr15-51024877-C-G.
Other names: short protein forms A313P.
Identifiers: ClinVar variation 2119690 (VCV002119690.4), dbSNP rs750920397, ClinGen allele CA392411530.

ClinVar aggregate classification (germline): Uncertain significance (1 of 4 stars; one submission).

Submission:

Labcorp Genetics (formerly Invitae), Labcorp
Classification: Uncertain significance. Last evaluated: 2022-03-30. Review status: criteria provided, single submitter. Criteria: Invitae Variant Classification Sherloc (09022015). Collection method: clinical testing. Allele origin: germline.
Comment: In summary, the available evidence is currently insufficient to determine the role of this variant in disease. Therefore, it has been classified as a Variant of Uncertain Significance. Algorithms developed to predict the effect of missense changes on protein structure and function (SIFT, PolyPhen-2, Align-GVGD) all suggest that this variant is likely to be tolerated. This variant has not been reported in the literature in individuals affected with SPPL2A-related conditions. This variant is not present in population databases (gnomAD no frequency). This sequence change replaces alanine, which is neutral and non-polar, with proline, which is neutral and non-polar, at codon 313 of the SPPL2A protein (p.Ala313Pro).